The following is an entry in ClinVar:

ClinVar aggregate classification (germline): Uncertain significance (1 of 4 stars; one submission).

Conditions:
EGFR-related lung cancer (EGFR). Identifiers: MedGen CN130014.

Allele frequency attached by ClinVar (database versions not stated): gnomAD exomes below 0.00001.
gnomAD v4.1: 1 of 1,613,838 alleles (0.000062%); highest among the groups gnomAD compares: South Asian, 0.0011%; no homozygotes.

Submission:

Labcorp Genetics (formerly Invitae), Labcorp
Classification: Uncertain significance for EGFR-related lung cancer. Last evaluated: 2022-10-28. Review status: criteria provided, single submitter. Criteria: Invitae Variant Classification Sherloc (09022015). Collection method: clinical testing. Allele origin: germline.
Comment: In summary, the available evidence is currently insufficient to determine the role of this variant in disease. Therefore, it has been classified as a Variant of Uncertain Significance. Advanced modeling of protein sequence and biophysical properties (such as structural, functional, and spatial information, amino acid conservation, physicochemical variation, residue mobility, and thermodynamic stability) performed at Invitae indicates that this missense variant is not expected to disrupt EGFR protein function. This variant has not been reported in the literature in individuals affected with EGFR-related conditions. This variant is not present in population databases (gnomAD no frequency). This sequence change replaces aspartic acid, which is acidic and polar, with asparagine, which is neutral and polar, at codon 230 of the EGFR protein (p.Asp230Asn).

NM_005228.5(EGFR):c.688G>A (p.Asp230Asn)

Gene: EGFR (epidermal growth factor receptor; plus strand). Cytogenetic location: 7p11.2.
Variant type: single nucleotide variant.
Coding change: c.688G>A on transcript NM_005228.5 (MANE Select); coding-DNA position 688, G replaced by A.
Protein change: p.Asp230Asn; replaces aspartic acid 230 with asparagine.
Molecular consequence: missense variant. On other transcripts: intron variant (1).
Genome position (GRCh38, 1-based): chr7:55,152,605, G>A. VCF-style: chr7-55152605-G-A. GRCh37 (hg19) VCF-style: chr7-55220298-G-A.
Other names: c.553G>A, p.Asp185Asn (NM_001346897.2, NM_001346899.2); c.688G>A, p.Asp230Asn (NM_001346898.2, NM_201282.2, NM_201283.2 and 1 more transcripts); c.529G>A, p.Asp177Asn (NM_001346900.2); c.89-3225G>A (NM_001346941.2); short protein forms D177N, D230N, D185N.
Identifiers: ClinVar variation 2808248 (VCV002808248.3), dbSNP rs2128933787, ClinGen allele CA367577440.
Genomic context (GRCh38, chr7:55,152,605, plus strand): 5'-GTGACCAAAATCATCTGTGCCCAGCAGTGCTCCGGGCGCTGCCGTGGCAAGTCCCCCAGT[G>A]ACTGCTGCCACAACCAGTGTGCTGCAGGCTGCACAGGCCCCCGGGAGAGCGACTGCCTGG-3'
Protein context (NP_005219.2, residues 220-240): SGRCRGKSPS[Asp230Asn]CCHNQCAAGC